The following is an entry in ClinVar:

NM_201384.3(PLEC):c.7678C>T (p.His2560Tyr)

Gene: PLEC (plectin; minus strand). Cytogenetic location: 8q24.3.
Variant type: single nucleotide variant.
Coding change: c.7678C>T on transcript NM_201384.3 (MANE Select); coding-DNA position 7678, C replaced by T.
Protein change: p.His2560Tyr; replaces histidine 2560 with tyrosine.
Molecular consequence: missense variant.
Genome position (GRCh38, 1-based): chr8:143,922,143, G>A on the plus strand (C>T on the coding strand, the complement: PLEC is on the minus strand). VCF-style: chr8-143922143-G-A. GRCh37 (hg19) VCF-style: chr8-144996311-G-A.
Other names: c.7759C>T, p.His2587Tyr (NM_000445.5); c.4378C>T, p.His1460Tyr (NM_001410941.1); c.7636C>T, p.His2546Tyr (NM_201378.4); c.7612C>T, p.His2538Tyr (NM_201379.3); c.8089C>T, p.His2697Tyr (NM_201380.4); c.7582C>T, p.His2528Tyr (NM_201381.3); c.7678C>T, p.His2560Tyr (NM_201382.4); c.7690C>T, p.His2564Tyr (NM_201383.3); and 1 more; short protein forms H1460Y, H2528Y, H2538Y, H2546Y, H2560Y, H2564Y, H2587Y, H2697Y.
Identifiers: ClinVar variation 3752097 (VCV003752097.3).
Genomic context (GRCh38, chr8:143,922,143, plus strand): 5'-GCTGCTGCTCCAGCTGCTGCAGCTCCTCCTGCTTGCGCCGCACGCCCTCCTCGGCCTCAT[G>A]CTGCCGCCGCCGCGCCTCCTCCATGCTGGCCACCAGCCGCTGCCGTTCCTGCTCCATCTG-3'
Protein context (NP_958786.1, residues 2550-2570): ASMEEARRRQ[His2560Tyr]EAEEGVRRKQ

ClinVar aggregate classification (germline): Uncertain significance. Review status: criteria provided, multiple submitters, no conflicts (2 of 4 stars). 2 submissions from 2 submitters: Uncertain significance (2). Last evaluated 2025-02-20.

Conditions:
Inborn genetic diseases. Identifiers: MedGen C0950123, MeSH D030342.
Epidermolysis bullosa simplex with nail dystrophy (EBS5D). Identifiers: MedGen C4225309, MONDO:0014661, OMIM 616487.
Epidermolysis bullosa simplex, Ogna type (EBS5A). Also called: Pidermolysis bullosa simplex 5A, Ogna type; EPIDERMOLYSIS BULLOSA SIMPLEX 5A, OGNA TYPE. Identifiers: Orphanet 79401, MedGen C0432317, MONDO:0007555, OMIM 131950.
Autosomal recessive limb-girdle muscular dystrophy type 2Q (LGMDR17). Also called: MUSCULAR DYSTROPHY, LIMB-GIRDLE, AUTOSOMAL RECESSIVE 17. Identifiers: Orphanet 254361, MedGen C3150989, MONDO:0013390, OMIM 613723.
Epidermolysis bullosa simplex 5B, with muscular dystrophy (EBS5B). Also called: EPIDERMOLYSIS BULLOSA SIMPLEX AND LIMB-GIRDLE MUSCULAR DYSTROPHY; Epidermolysis bullosa simplex with muscular dystrophy. Identifiers: Orphanet 257, MedGen C2931072, MONDO:0009181, OMIM 226670.
Epidermolysis bullosa simplex 5C, with pyloric atresia (EBS5C). Also called: PLEC-Related Epidermolysis Bullosa with Pyloric Atresia; Epidermolysis bullosa simplex with pyloric atresia; PLEC1-Related Epidermolysis Bullosa with Pyloric Atresia. Identifiers: Orphanet 158684, MedGen C2677349, MONDO:0012807, OMIM 612138.

gnomAD v4.1: 2 of 1,540,066 alleles (0.00013%); highest among the groups gnomAD compares: Non-Finnish European, 0.00017%; no homozygotes.

Submissions (2):

Ambry Genetics
Classification: Uncertain significance for Inborn genetic diseases. Last evaluated: 2025-02-20. Review status: criteria provided, single submitter. Criteria: Ambry Variant Classification Scheme 2023. Collection method: clinical testing. Allele origin: germline.

Labcorp Genetics (formerly Invitae), Labcorp
Classification: Uncertain significance for Autosomal recessive limb-girdle muscular dystrophy type 2Q; Epidermolysis bullosa simplex, Ogna type; Epidermolysis bullosa simplex with nail dystrophy; Epidermolysis bullosa simplex 5C, with pyloric atresia; Epidermolysis bullosa simplex 5B, with muscular dystrophy. Last evaluated: 2024-03-27. Review status: criteria provided, single submitter. Criteria: Invitae Variant Classification Sherloc (09022015). Collection method: clinical testing. Allele origin: germline.
Comment: This sequence change replaces histidine, which is basic and polar, with tyrosine, which is neutral and polar, at codon 2587 of the PLEC protein (p.His2587Tyr). This variant is not present in population databases (gnomAD no frequency). This variant has not been reported in the literature in individuals affected with PLEC-related conditions. Advanced modeling of protein sequence and biophysical properties (such as structural, functional, and spatial information, amino acid conservation, physicochemical variation, residue mobility, and thermodynamic stability) performed at Invitae indicates that this missense variant is not expected to disrupt PLEC protein function with a negative predictive value of 80%. In summary, the available evidence is currently insufficient to determine the role of this variant in disease. Therefore, it has been classified as a Variant of Uncertain Significance.